The following is an entry in ClinVar:

NM_015046.7(SETX):c.5811T>C (p.Asp1937=)

Gene: SETX (senataxin; minus strand). Cytogenetic location: 9q34.13.
Variant type: single nucleotide variant.
Coding change: c.5811T>C on transcript NM_015046.7 (MANE Select); coding-DNA position 5811, T replaced by C.
Protein change: p.Asp1937=; no amino-acid change (aspartic acid 1937 retained).
Molecular consequence: synonymous variant.
Genome position (GRCh38, 1-based): chr9:132,297,025, A>G on the plus strand (T>C on the coding strand, the complement: SETX is on the minus strand). VCF-style: chr9-132297025-A-G. GRCh37 (hg19) VCF-style: chr9-135172412-A-G.
Other names: p.Asp1937=; c.5811T>C, p.Asp1937= (NM_001351527.2, NM_001351528.2).
Identifiers: ClinVar variation 95667 (VCV000095667.43), dbSNP rs2296869, ClinGen allele CA148727.

ClinVar aggregate classification (germline): Benign/Likely benign. Review status: criteria provided, multiple submitters, no conflicts (2 of 4 stars). 20 submissions from 18 submitters: Benign (12); Likely benign (1). 7 of the submissions do not count toward it. Last evaluated 2026-02-04.

Conditions:
Amyotrophic lateral sclerosis type 4 (ALS4). Also called: NEURONOPATHY, DISTAL HEREDITARY MOTOR, WITH PYRAMIDAL FEATURES; AMYOTROPHIC LATERAL SCLEROSIS 4, JUVENILE. Identifiers: Orphanet 357043, MedGen C1865409, MONDO:0011223, OMIM 602433.
Spinocerebellar ataxia, autosomal recessive, with axonal neuropathy 2 (SCAN2). Also called: ATAXIA-OCULOMOTOR APRAXIA 2; Ataxia with Oculomotor Apraxia Type 2; Ataxia with Oculomotor Apraxia; Ataxia-ocular apraxia-2. Identifiers: Orphanet 64753, MedGen C1853761, MONDO:0018996, OMIM 606002.

Allele frequency attached by ClinVar (database versions not stated): gnomAD exomes 0.19675 and 0.26544; ExAC 0.28801; ESP Exome Variant Server 0.30717; gnomAD 0.31585 and 0.31913; TOPMed 0.33488; 1000 Genomes Project 30x 0.44097; 1000 Genomes Project 0.44169.
gnomAD v4.1: 338,424 of 1,612,012 alleles (21%); highest among the groups gnomAD compares: East Asian, 70%; 51,483 homozygotes.

Submissions (20):

Labcorp Genetics (formerly Invitae), Labcorp
Classification: Benign for Amyotrophic lateral sclerosis type 4; Spinocerebellar ataxia, autosomal recessive, with axonal neuropathy 2. Last evaluated: 2026-02-04. Review status: criteria provided, single submitter. Criteria: Invitae Variant Classification Sherloc (09022015). Collection method: clinical testing. Allele origin: germline.

Blueprint Genetics
Classification: Likely benign. Last evaluated: 2024-11-27. Review status: criteria provided, single submitter. Criteria: ACMG Guidelines, 2015. Collection method: clinical testing. Allele origin: germline.

Genome-Nilou Lab
Classification: Benign for Spinocerebellar ataxia, autosomal recessive, with axonal neuropathy 2. Last evaluated: 2023-02-08. Review status: criteria provided, single submitter. Criteria: ACMG Guidelines, 2015. Collection method: clinical testing. Allele origin: germline.

Genome-Nilou Lab
Classification: Benign for Amyotrophic lateral sclerosis type 4. Last evaluated: 2023-02-08. Review status: criteria provided, single submitter. Criteria: ACMG Guidelines, 2015. Collection method: clinical testing. Allele origin: germline.

GeneDx
Classification: Benign. Last evaluated: 2018-07-05. Review status: criteria provided, single submitter. Criteria: GeneDx Variant Classification Process June 2021. Collection method: clinical testing. Allele origin: germline. Affected: yes.

Illumina Laboratory Services, Illumina
Classification: Benign for Spinocerebellar ataxia, autosomal recessive, with axonal neuropathy 2. Last evaluated: 2018-01-12. Review status: criteria provided, single submitter. Criteria: ICSL Variant Classification Criteria 13 December 2019. Collection method: clinical testing. Allele origin: germline.
Comment: This variant was observed in the ICSL laboratory as part of a predisposition screen in an ostensibly healthy population. It had not been previously curated by ICSL or reported in the Human Gene Mutation Database (HGMD: prior to June 1st, 2018), and was therefore a candidate for classification through an automated scoring system. Utilizing variant allele frequency, disease prevalence and penetrance estimates, and inheritance mode, an automated score was calculated to assess if this variant is too frequent to cause the disease. Based on the score and internal cut-off values, a variant classified as benign is not then subjected to further curation. The score for this variant resulted in a classification of benign for this disease.

Illumina Laboratory Services, Illumina
Classification: Benign for Amyotrophic lateral sclerosis type 4. Last evaluated: 2018-01-12. Review status: criteria provided, single submitter. Criteria: ICSL Variant Classification Criteria 13 December 2019. Collection method: clinical testing. Allele origin: germline.
Comment: the same text as in the submission from Illumina Laboratory Services, Illumina above.

Athena Diagnostics
Classification: Benign. Last evaluated: 2017-04-12. Review status: criteria provided, single submitter. Criteria: Athena Diagnostics Criteria. Collection method: clinical testing. Allele origin: germline.

Laboratory for Molecular Medicine, Mass General Brigham Personalized Medicine
Classification: Benign. Last evaluated: 2016-03-29. Review status: criteria provided, single submitter. Criteria: LMM Criteria. Collection method: clinical testing. Allele origin: germline.
Comment: Variant identified in a genome or exome case(s) and assessed due to predicted null impact of the variant or pathogenic assertions in the literature or databases. Disclaimer: This variant has not undergone full assessment. The following are preliminary notes: MAF

Mayo Clinic Laboratories, Mayo Clinic
Classification: Benign. Last evaluated: 2015-09-01. Review status: criteria provided, single submitter. Criteria: ACMG Guidelines, 2015. Collection method: clinical testing. Allele origin: germline. Observed: 891 variant alleles.

Eurofins Ntd Llc (ga)
Classification: Benign. Last evaluated: 2012-08-14. Review status: criteria provided, single submitter. Criteria: EGL Classification Definitions 2015. Collection method: clinical testing. Allele origin: germline. Observed: 3 variant alleles, 2 heterozygotes, 1 homozygote.

Breakthrough Genomics
Classification: Benign. Review status: criteria provided, single submitter. Criteria: ACMG Guidelines, 2015. Collection method: not provided. Allele origin: germline. Inheritance: Autosomal recessive inheritance. Affected: yes.

PreventionGenetics, part of Exact Sciences
Classification: Benign. Review status: criteria provided, single submitter. Criteria: ACMG Guidelines, 2015. Collection method: clinical testing. Allele origin: germline.

Clinical Genetics DNA and cytogenetics Diagnostics Lab, Erasmus MC, Erasmus Medical Center
Classification: Benign. Review status: no assertion criteria provided. Collection method: clinical testing. Allele origin: germline. Affected: yes. Study: VKGL Data-share Consensus. Not counted in ClinVar's aggregate classification.

Clinical Genetics, Academic Medical Center
Classification: Benign. Review status: no assertion criteria provided. Collection method: clinical testing. Allele origin: germline. Affected: yes. Study: VKGL Data-share Consensus. Not counted in ClinVar's aggregate classification.

Diagnostic Laboratory, Department of Genetics, University Medical Center Groningen
Classification: Benign. Review status: no assertion criteria provided. Collection method: clinical testing. Allele origin: germline. Affected: yes. Study: VKGL Data-share Consensus. Not counted in ClinVar's aggregate classification.

Genetic Services Laboratory, University of Chicago
Classification: Likely benign for AllHighlyPenetrant. Review status: no assertion criteria provided. Collection method: clinical testing. Allele origin: germline. Not counted in ClinVar's aggregate classification.
Comment: Likely benign based on allele frequency in 1000 Genomes Project or ESP global frequency and its presence in a patient with a rare or unrelated disease phenotype. NOT Sanger confirmed.

Genome Diagnostics Laboratory, Amsterdam University Medical Center
Classification: Benign. Review status: no assertion criteria provided. Collection method: clinical testing. Allele origin: germline. Affected: yes. Study: VKGL Data-share Consensus. Not counted in ClinVar's aggregate classification.

Genome Diagnostics Laboratory, University Medical Center Utrecht
Classification: Benign. Review status: no assertion criteria provided. Collection method: clinical testing. Allele origin: germline. Affected: yes. Study: VKGL Data-share Consensus. Not counted in ClinVar's aggregate classification.

Joint Genome Diagnostic Labs from Nijmegen and Maastricht, Radboudumc and MUMC+
Classification: Benign. Review status: no assertion criteria provided. Collection method: clinical testing. Allele origin: germline. Affected: yes. Study: VKGL Data-share Consensus. Not counted in ClinVar's aggregate classification.